The following is an entry in ClinVar:

NM_198129.4(LAMA3):c.2443A>G (p.Lys815Glu)

Gene: LAMA3 (laminin subunit alpha 3; plus strand). Cytogenetic location: 18q11.2.
Variant type: single nucleotide variant.
Coding change: c.2443A>G on transcript NM_198129.4 (MANE Select); coding-DNA position 2443, A replaced by G.
Protein change: p.Lys815Glu; replaces lysine 815 with glutamic acid.
Molecular consequence: missense variant.
Genome position (GRCh38, 1-based): chr18:23,824,437, A>G. VCF-style: chr18-23824437-A-G. GRCh37 (hg19) VCF-style: chr18-21404401-A-G.
Other names: c.2443A>G, p.Lys815Glu (NM_001127717.4); short protein forms K815E.
Identifiers: ClinVar variation 2256013 (VCV002256013.3), dbSNP rs201765367, ClinGen allele CA8914969.

ClinVar aggregate classification (germline): Uncertain significance. Review status: criteria provided, multiple submitters, no conflicts (2 of 4 stars). 2 submissions from 2 submitters: Uncertain significance (2). Last evaluated 2023-04-24.

Conditions:
Inborn genetic diseases. Identifiers: MedGen C0950123, MeSH D030342.

Allele frequency attached by ClinVar (database versions not stated): gnomAD exomes 0.00008; ExAC 0.00028; 1000 Genomes Project 30x 0.00078; gnomAD 0.00094; TOPMed 0.00094; 1000 Genomes Project 0.00100; ESP Exome Variant Server 0.00149.

Submissions (2):

GeneDx
Classification: Uncertain significance. Last evaluated: 2023-04-24. Review status: criteria provided, single submitter. Criteria: GeneDx Variant Classification Process June 2021. Collection method: clinical testing. Allele origin: germline. Affected: yes.
Comment: In silico analysis supports that this missense variant has a deleterious effect on protein structure/function; Has not been previously published as pathogenic or benign to our knowledge

Ambry Genetics
Classification: Uncertain significance for Inborn genetic diseases. Last evaluated: 2021-07-09. Review status: criteria provided, single submitter. Criteria: Ambry Variant Classification Scheme 2023. Collection method: clinical testing. Allele origin: germline.